The following is an entry in ClinVar:

NM_020207.7(ERCC6L2):c.2785G>A (p.Glu929Lys)

Gene: ERCC6L2 (ERCC excision repair 6 like 2; plus strand). Cytogenetic location: 9q22.32.
Variant type: single nucleotide variant.
Coding change: c.2785G>A on transcript NM_020207.7 (MANE Select); coding-DNA position 2785, G replaced by A.
Protein change: p.Glu929Lys; replaces glutamic acid 929 with lysine.
Molecular consequence: missense variant. On other transcripts: non-coding transcript variant (1).
Genome position (GRCh38, 1-based): chr9:95,972,536, G>A. VCF-style: chr9-95972536-G-A. GRCh37 (hg19) VCF-style: chr9-98734818-G-A.
Other names: c.2785G>A, p.Glu929Lys (NM_001375291.1, NM_001375292.1, NM_001375293.1 and 1 more transcripts); short protein forms E929K.
Identifiers: ClinVar variation 3721332 (VCV003721332.2).

ClinVar aggregate classification (germline): Uncertain significance (1 of 4 stars; one submission).

Submission:

Labcorp Genetics (formerly Invitae), Labcorp
Classification: Uncertain significance. Last evaluated: 2024-09-22. Review status: criteria provided, single submitter. Criteria: Invitae Variant Classification Sherloc (09022015). Collection method: clinical testing. Allele origin: germline.
Comment: This sequence change replaces glutamic acid, which is acidic and polar, with lysine, which is basic and polar, at codon 940 of the ERCC6L2 protein (p.Glu940Lys). This variant is not present in population databases (gnomAD no frequency). This variant has not been reported in the literature in individuals affected with ERCC6L2-related conditions. Experimental studies and prediction algorithms are not available or were not evaluated, and the functional significance of this variant is currently unknown. In summary, the available evidence is currently insufficient to determine the role of this variant in disease. Therefore, it has been classified as a Variant of Uncertain Significance.